The following is an entry in ClinVar:

ClinVar aggregate classification (germline): Benign/Likely benign. Review status: criteria provided, multiple submitters, no conflicts (2 of 4 stars). 7 submissions from 7 submitters: Benign (4); Likely benign (2). 1 of the submissions does not count toward it. Last evaluated 2026-01-08.

Conditions:
MAGT1-related disorder. Also called: MAGT1-related condition.
Congenital disorder of glycosylation, type ICC. Identifiers: MedGen C5231393, MONDO:0026729, OMIM 301031.
X-linked immunodeficiency with magnesium defect, Epstein-Barr virus infection and neoplasia. Identifiers: Orphanet 317476, MedGen C3275445, MONDO:0010455, OMIM 300853.

Allele frequency attached by ClinVar (database versions not stated): TOPMed 0.00068; ESP Exome Variant Server 0.00123; gnomAD 0.00117 and 0.00119; ExAC 0.00133; 1000 Genomes Project 0.00053; gnomAD exomes 0.00153 and 0.00109; 1000 Genomes Project 30x 0.00042.
gnomAD v4.1: 1,264 of 1,157,504 alleles (0.11%); highest among the groups gnomAD compares: Non-Finnish European, 0.1%; 1 homozygote.

Submissions (7):

Labcorp Genetics (formerly Invitae), Labcorp
Classification: Benign for X-linked immunodeficiency with magnesium defect, Epstein-Barr virus infection and neoplasia. Last evaluated: 2026-01-08. Review status: criteria provided, single submitter. Criteria: Invitae Variant Classification Sherloc (09022015). Collection method: clinical testing. Allele origin: germline.

Blueprint Genetics
Classification: Likely benign. Last evaluated: 2024-11-14. Review status: criteria provided, single submitter. Criteria: ACMG Guidelines, 2015. Collection method: clinical testing. Allele origin: germline.

Mayo Clinic Laboratories, Mayo Clinic
Classification: Benign. Last evaluated: 2023-09-19. Review status: criteria provided, single submitter. Criteria: ACMG Guidelines, 2015. Collection method: clinical testing. Allele origin: germline. Observed: 3 variant alleles.
Comment: BS1, BS2

Fulgent Genetics
Classification: Likely benign for X-linked immunodeficiency with magnesium defect, Epstein-Barr virus infection and neoplasia; Congenital disorder of glycosylation, type ICC. Last evaluated: 2022-05-19. Review status: criteria provided, single submitter. Criteria: ACMG Guidelines, 2015. Collection method: clinical testing. Allele origin: unknown.

Mendelics
Classification: Benign for X-linked immunodeficiency with magnesium defect, Epstein-Barr virus infection and neoplasia. Last evaluated: 2019-05-28. Review status: criteria provided, single submitter. Criteria: Mendelics Assertion Criteria 2017. Collection method: clinical testing. Allele origin: unknown.

Eurofins Ntd Llc (ga)
Classification: Benign. Last evaluated: 2013-10-15. Review status: criteria provided, single submitter. Criteria: EGL Classification Definitions 2015. Collection method: clinical testing. Allele origin: germline. Observed: 1 variant allele, 1 hemizygote.

PreventionGenetics, part of Exact Sciences
Classification: Likely benign for MAGT1-related condition. Last evaluated: 2024-03-06. Review status: no assertion criteria provided. Collection method: clinical testing. Allele origin: germline. Not counted in ClinVar's aggregate classification.
Comment: This variant is classified as likely benign based on ACMG/AMP sequence variant interpretation guidelines (Richards et al. 2015 PMID: 25741868, with internal and published modifications).

Literature cited by the submitters: PubMed 18455129 (cited by Mayo Clinic Laboratories, Mayo Clinic); PubMed 23871722 (cited by Mayo Clinic Laboratories, Mayo Clinic); PubMed 26422833 (cited by Mayo Clinic Laboratories, Mayo Clinic).

NM_001367916.1(MAGT1):c.932T>G (p.Val311Gly)

Gene: MAGT1 (magnesium transporter 1; minus strand). Cytogenetic location: Xq21.1.
Variant type: single nucleotide variant.
Coding change: c.932T>G on transcript NM_001367916.1 (MANE Select); coding-DNA position 932, T replaced by G.
Protein change: p.Val311Gly; replaces valine 311 with glycine.
Molecular consequence: missense variant.
Genome position (GRCh38, 1-based): chrX:77,830,865, A>C on the plus strand (T>G on the coding strand, the complement: MAGT1 is on the minus strand). VCF-style: chrX-77830865-A-C. GRCh37 (hg19) VCF-style: chrX-77086362-A-C.
Other names: c.1028T>G, p.Val343Gly (NM_032121.5, LRG_353t1); short protein forms V311G.
Identifiers: ClinVar variation 96213 (VCV000096213.20), dbSNP rs145245774, ClinGen allele CA149366.
Genomic context (GRCh38, chrX:77,830,865, plus strand): 5'-CTGTATGGGTAGCCATGATATTTAGATCTAAAAATAGAGAGCATCCAACTGAAGAATAAT[A>C]CAACAAGTCCAATACCAGCCACACACATTACTGCAGAAAAATAAAAGGAGAGTAAAATGA-3'
Protein context (NP_001354845.1, residues 301-321): IMCVAGIGLV[Val311Gly]LFFSWMLSIF